The following is an entry in ClinVar:

NM_001903.5(CTNNA1):c.2433+8T>A

Gene: CTNNA1 (catenin alpha 1; plus strand). Cytogenetic location: 5q31.2.
Variant type: single nucleotide variant.
Coding change: c.2433+8T>A on transcript NM_001903.5 (MANE Select); 8 bases into the intron after coding-DNA position 2433, T replaced by A.
Molecular consequence: intron variant.
Genome position (GRCh38, 1-based): chr5:138,932,720, T>A. VCF-style: chr5-138932720-T-A. GRCh37 (hg19) VCF-style: chr5-138268409-T-A.
Other names: c.2433+8T>A (NM_001323982.2, NM_001323984.2, NM_001290307.3 and 2 more transcripts); c.2340+8T>A (NM_001323986.2); c.2064+8T>A (NM_001290310.3); c.2124+8T>A (NM_001290309.3); c.1323+8T>A (NM_001323996.1, NM_001323993.1, NM_001324005.1 and 16 more transcripts); c.984+8T>A (NM_001324007.1, NM_001324009.1, NM_001324006.1 and 2 more transcripts); c.1080+8T>A (NM_001324013.1, NM_001324012.1); c.1189-1082T>A (NM_001324001.1); and 1 more.
Identifiers: ClinVar variation 3773309 (VCV003773309.1).
Genomic context (GRCh38, chr5:138,932,720, plus strand): 5'-GCAAGGTCAAGGCCGAGGTGCAGAATCTCGGCGGGGAGCTTGTTGTCTCTGGGGTAAGCA[T>A]TAGCTGAACAAAAAGAGGGCCAGTGGGAACGTGCTGACCCTTGTCAGAAATGAAAGTCAC-3'

ClinVar aggregate classification (germline): Likely benign (1 of 4 stars; one submission).

Conditions:
Hereditary diffuse gastric adenocarcinoma (HDGC). Also called: DIFFUSE GASTRIC AND LOBULAR BREAST CANCER SYNDROME. Identifiers: Orphanet 26106, MedGen C1708349, MONDO:0007648, OMIM 137215.

Submission:

Myriad Genetics, Inc.
Classification: Likely benign for Hereditary diffuse gastric adenocarcinoma. Last evaluated: 2024-10-15. Review status: criteria provided, single submitter. Criteria: Myriad Autosomal Dominant, Autosomal Recessive and X-Linked Classification Criteria (2023). Collection method: clinical testing. Allele origin: unknown.
Comment: This variant is considered likely benign. This variant is intronic and is not expected to impact mRNA splicing.